The following is an entry in ClinVar:

NM_001261826.3(AP3D1):c.3637G>A (p.Ala1213Thr)

Gene: AP3D1 (adaptor related protein complex 3 subunit delta 1; minus strand). Cytogenetic location: 19p13.3.
Variant type: single nucleotide variant.
Coding change: c.3637G>A on transcript NM_001261826.3 (MANE Select); coding-DNA position 3637, G replaced by A.
Protein change: p.Ala1213Thr; replaces alanine 1213 with threonine.
Molecular consequence: missense variant.
Genome position (GRCh38, 1-based): chr19:2,102,184, C>T on the plus strand (G>A on the coding strand, the complement: AP3D1 is on the minus strand). VCF-style: chr19-2102184-C-T. GRCh37 (hg19) VCF-style: chr19-2102183-C-T.
Other names: c.3601G>A, p.Ala1201Thr (NM_001374799.1); c.3451G>A, p.Ala1151Thr (NM_003938.8); c.3637G>A (NM_001261826.1); short protein forms A1201T, A1213T, A1151T.
Identifiers: ClinVar variation 1440018 (VCV001440018.8), dbSNP rs201113371, ClinGen allele CA9058297.

ClinVar aggregate classification (germline): Uncertain significance. Review status: criteria provided, multiple submitters, no conflicts (2 of 4 stars). 3 submissions from 3 submitters: Uncertain significance (2). 1 of the submissions does not count toward it. Last evaluated 2025-09-09.

Conditions:
Hermansky-Pudlak syndrome 10 (HPS10). Identifiers: Orphanet 664511, MedGen C4310746, MONDO:0014885, OMIM 617050.
AP3D1-related disorder. Also called: AP3D1-related condition.

Allele frequency attached by ClinVar (database versions not stated): gnomAD exomes 0.00002 and 0.00008; ExAC 0.00009; ESP Exome Variant Server 0.00024; gnomAD 0.00031; TOPMed 0.00036; 1000 Genomes Project 0.00040; 1000 Genomes Project 30x 0.00062.
gnomAD v4.1: 85 of 1,613,684 alleles (0.0053%); highest among the groups gnomAD compares: African/African-American, 0.1%; no homozygotes.

Submissions (3):

Labcorp Genetics (formerly Invitae), Labcorp
Classification: Uncertain significance. Last evaluated: 2025-09-09. Review status: criteria provided, single submitter. Criteria: Invitae Variant Classification Sherloc (09022015). Collection method: clinical testing. Allele origin: germline.
Comment: This sequence change replaces alanine, which is neutral and non-polar, with threonine, which is neutral and polar, at codon 1213 of the AP3D1 protein (p.Ala1213Thr). This variant is present in population databases (rs201113371, gnomAD 0.1%). This variant has not been reported in the literature in individuals affected with AP3D1-related conditions. ClinVar contains an entry for this variant (Variation ID: 1440018). An algorithm developed to predict the effect of missense changes on protein structure and function (PolyPhen-2) suggests that this variant is likely to be disruptive. In summary, the available evidence is currently insufficient to determine the role of this variant in disease. Therefore, it has been classified as a Variant of Uncertain Significance.

Fulgent Genetics
Classification: Uncertain significance for Hermansky-Pudlak syndrome 10. Last evaluated: 2022-04-26. Review status: criteria provided, single submitter. Criteria: ACMG Guidelines, 2015. Collection method: clinical testing. Allele origin: unknown.

PreventionGenetics, part of Exact Sciences
Classification: Uncertain significance for AP3D1-related condition. Last evaluated: 2024-05-17. Review status: no assertion criteria provided. Collection method: clinical testing. Allele origin: germline. Not counted in ClinVar's aggregate classification.
Comment: The AP3D1 c.3637G>A variant is predicted to result in the amino acid substitution p.Ala1213Thr. This variant has been reported in the de novo state in an individual with developmental disorder (Turner et al. 2019. PubMed ID: 31785789. Table S2). This variant is reported in 0.13% of alleles in individuals of African descent in gnomAD. Although we suspect that this variant may be benign, at this time, the clinical significance of this variant is uncertain due to the absence of conclusive functional and genetic evidence.